The following is an entry in ClinVar:

NM_001039396.2(MPEG1):c.1589G>A (p.Gly530Glu)

Gene: MPEG1 (macrophage expressed 1; minus strand). Cytogenetic location: 11q12.1.
Variant type: single nucleotide variant.
Coding change: c.1589G>A on transcript NM_001039396.2 (MANE Select); coding-DNA position 1589, G replaced by A.
Protein change: p.Gly530Glu; replaces glycine 530 with glutamic acid.
Molecular consequence: missense variant.
Genome position (GRCh38, 1-based): chr11:59,211,277, C>T on the plus strand (G>A on the coding strand, the complement: MPEG1 is on the minus strand). VCF-style: chr11-59211277-C-T. GRCh37 (hg19) VCF-style: chr11-58978750-C-T.
Other names: short protein forms G530E.
Identifiers: ClinVar variation 4056622 (VCV004056622.1).

ClinVar aggregate classification (germline): Uncertain significance (1 of 4 stars; one submission).

Conditions:
Immunodeficiency 77. Identifiers: MedGen C5543173, MONDO:0030973, OMIM 619223.

Submission:

Laboratorio de Genetica e Diagnostico Molecular, Hospital Israelita Albert Einstein
Classification: Uncertain significance for Immunodeficiency 77. Last evaluated: 2023-05-31. Review status: criteria provided, single submitter. Criteria: ACMG Guidelines, 2015. Collection method: clinical testing. Allele origin: germline. Affected: yes.
Comment: ACMG classification criteria: PM2 moderate, PP3 supporting